The following is an entry in ClinVar:

ClinVar aggregate classification (germline): Uncertain significance (1 of 4 stars; one submission).

Conditions:
Hereditary cancer-predisposing syndrome. Also called: Tumor predisposition; Hereditary neoplastic syndrome; Hereditary Cancer Syndrome; Neoplastic Syndromes, Hereditary. Identifiers: Orphanet 140162, MedGen C0027672, MeSH D009386, MONDO:0015356.

Submission:

Ambry Genetics
Classification: Uncertain significance for Hereditary cancer-predisposing syndrome. Last evaluated: 2023-10-10. Review status: criteria provided, single submitter. Criteria: Ambry Variant Classification Scheme 2023. Collection method: clinical testing. Allele origin: germline.
Comment: The p.T626S variant (also known as c.1877C>G), located in coding exon 14 of the SDHA gene, results from a C to G substitution at nucleotide position 1877. The threonine at codon 626 is replaced by serine, an amino acid with similar properties. This amino acid position is conserved. In addition, this alteration is predicted to be tolerated by in silico analysis. Since supporting evidence is limited at this time, the clinical significance of this alteration remains unclear.

NM_004168.4(SDHA):c.1877C>G (p.Thr626Ser)

Gene: SDHA (succinate dehydrogenase complex flavoprotein subunit A; plus strand). Cytogenetic location: 5p15.33.
Variant type: single nucleotide variant.
Coding change: c.1877C>G on transcript NM_004168.4 (MANE Select); coding-DNA position 1877, C replaced by G.
Protein change: p.Thr626Ser; replaces threonine 626 with serine.
Molecular consequence: missense variant.
Genome position (GRCh38, 1-based): chr5:254,475, C>G. VCF-style: chr5-254475-C-G. GRCh37 (hg19) VCF-style: chr5-254590-C-G.
Other names: c.1733C>G, p.Thr578Ser (NM_001294332.2); c.1634C>G, p.Thr545Ser (NM_001330758.2); short protein forms T626S, T545S, T578S.
Identifiers: ClinVar variation 3223734 (VCV003223734.1), dbSNP rs2477476907, ClinGen allele CA359002090.